The following is an entry in ClinVar:

ClinVar aggregate classification (germline): Likely benign. Review status: criteria provided, single submitter (1 of 4 stars). 2 submissions from 2 submitters: Likely benign (1). 1 of the submissions does not count toward it. Last evaluated 2024-11-26.

Conditions:
PADI3-related disorder. Also called: PADI3-related condition.

Allele frequency attached by ClinVar (database versions not stated): ESP Exome Variant Server 0.37098; TOPMed 0.38052; 1000 Genomes Project 30x 0.39975; 1000 Genomes Project 0.40495; ExAC 0.43991.
gnomAD v4.1: 700,158 of 1,613,670 alleles (43%); highest among the groups gnomAD compares: East Asian, 65%; 154,008 homozygotes.

Submissions (2):

Blueprint Genetics
Classification: Likely benign. Last evaluated: 2024-11-26. Review status: criteria provided, single submitter. Criteria: ACMG Guidelines, 2015. Collection method: clinical testing. Allele origin: germline.

PreventionGenetics, part of Exact Sciences
Classification: Benign for PADI3-related condition. Last evaluated: 2019-04-16. Review status: no assertion criteria provided. Collection method: clinical testing. Allele origin: germline. Not counted in ClinVar's aggregate classification.
Comment: This variant is classified as benign based on ACMG/AMP sequence variant interpretation guidelines (Richards et al. 2015 PMID: 25741868, with internal and published modifications).

NM_016233.2(PADI3):c.1869G>T (p.Pro623=)

Gene: PADI3 (peptidyl arginine deiminase 3; plus strand). Cytogenetic location: 1p36.13.
Variant type: single nucleotide variant.
Coding change: c.1869G>T on transcript NM_016233.2 (MANE Select); coding-DNA position 1869, G replaced by T.
Protein change: p.Pro623=; no amino-acid change (proline 623 retained).
Molecular consequence: synonymous variant.
Genome position (GRCh38, 1-based): chr1:17,282,953, G>T. VCF-style: chr1-17282953-G-T. GRCh37 (hg19) VCF-style: chr1-17609448-G-T.
Identifiers: ClinVar variation 3060249 (VCV003060249.3), dbSNP rs2293920, ClinGen allele CA640264.